The following is an entry in ClinVar:

NM_001130987.2(DYSF):c.5193G>A (p.Trp1731Ter)

Gene: DYSF (dysferlin; plus strand). Cytogenetic location: 2p13.2.
Variant type: single nucleotide variant.
Coding change: c.5193G>A on transcript NM_001130987.2 (MANE Select); coding-DNA position 5193, G replaced by A.
Protein change: p.Trp1731Ter; replaces tryptophan 1731 with a stop codon.
Molecular consequence: nonsense.
Genome position (GRCh38, 1-based): chr2:71,665,180, G>A. VCF-style: chr2-71665180-G-A. GRCh37 (hg19) VCF-style: chr2-71892310-G-A.
Other names: c.5079G>A, p.Trp1693Ter (NM_001130455.2); c.5034G>A, p.Trp1678Ter (NM_001130976.2); c.5097G>A, p.Trp1699Ter (NM_001130977.2); c.5139G>A, p.Trp1713Ter (NM_001130978.2); c.5169G>A, p.Trp1723Ter (NM_001130979.2); c.5127G>A, p.Trp1709Ter (NM_001130980.2); c.5190G>A, p.Trp1730Ter (NM_001130981.2); c.5172G>A, p.Trp1724Ter (NM_001130982.2); and 5 more; short protein forms W1678*, W1679*, W1692*, W1693*, W1699*, W1700*, W1709*, W1710*.
Identifiers: ClinVar variation 1726282 (VCV001726282.3), dbSNP rs2546546851, ClinGen allele CA347220938.

ClinVar aggregate classification (germline): Likely pathogenic (1 of 4 stars; one submission).

Conditions:
Autosomal recessive limb-girdle muscular dystrophy. Identifiers: Orphanet 102015, MedGen C2931907, MONDO:0015152.

Submission:

Myriad Genetics, Inc.
Classification: Likely pathogenic for Autosomal recessive limb-girdle muscular dystrophy. Last evaluated: 2021-12-10. Review status: criteria provided, single submitter. Criteria: Myriad Autosomal Dominant, Autosomal Recessive and X-Linked Classification Criteria (2023). Collection method: clinical testing. Allele origin: unknown.
Comment: NM_003494.3(DYSF):c.5076G>A(W1692*) is expected to be pathogenic in the context of dysferlinopathy. This variant is predicted to lead to an abnormal or absent protein product due to the creation of a premature termination codon in DYSF, a gene where loss-of-function variants are known to be pathogenic. Please note: this variant was assessed in the context of healthy population screening.